The following is an entry in ClinVar:

ClinVar aggregate classification (germline): Uncertain significance. Review status: criteria provided, multiple submitters, no conflicts (2 of 4 stars). 2 submissions from 2 submitters: Uncertain significance (2). Last evaluated 2023-04-25.

Allele frequency attached by ClinVar (database versions not stated): ExAC 0.00017; gnomAD exomes 0.00017 and 0.00018; TOPMed 0.00019; gnomAD 0.00024 and 0.00025; ESP Exome Variant Server 0.00038.
gnomAD v4.1: 287 of 1,613,952 alleles (0.018%); highest among the groups gnomAD compares: Middle Eastern, 0.034%; no homozygotes.

Submissions (2):

Women's Health and Genetics/Laboratory Corporation of America, LabCorp
Classification: Uncertain significance. Last evaluated: 2023-04-25. Review status: criteria provided, single submitter. Criteria: LabCorp Variant Classification Summary - May 2015. Collection method: clinical testing. Allele origin: germline.

Labcorp Genetics (formerly Invitae), Labcorp
Classification: Uncertain significance. Last evaluated: 2022-10-05. Review status: criteria provided, single submitter. Criteria: Invitae Variant Classification Sherloc (09022015). Collection method: clinical testing. Allele origin: germline.
Comment: This sequence change falls in intron 13 of the LAMC2 gene. It does not directly change the encoded amino acid sequence of the LAMC2 protein. It affects a nucleotide within the consensus splice site. This variant is present in population databases (rs377208927, gnomAD 0.03%). This variant has not been reported in the literature in individuals affected with LAMC2-related conditions. ClinVar contains an entry for this variant (Variation ID: 1511794). Variants that disrupt the consensus splice site are a relatively common cause of aberrant splicing (PMID: 17576681, 9536098). Algorithms developed to predict the effect of sequence changes on RNA splicing suggest that this variant is not likely to affect RNA splicing. In summary, the available evidence is currently insufficient to determine the role of this variant in disease. Therefore, it has been classified as a Variant of Uncertain Significance.

Literature cited by the submitters: PubMed 17576681 (cited by Labcorp Genetics (formerly Invitae), Labcorp); PubMed 9536098 (cited by Labcorp Genetics (formerly Invitae), Labcorp).

NM_005562.3(LAMC2):c.2014+5T>C

Gene: LAMC2 (laminin subunit gamma 2; plus strand). Cytogenetic location: 1q25.3.
Variant type: single nucleotide variant.
Coding change: c.2014+5T>C on transcript NM_005562.3 (MANE Select); 5 bases into the intron after coding-DNA position 2014, T replaced by C.
Molecular consequence: intron variant.
Genome position (GRCh38, 1-based): chr1:183,232,348, T>C. VCF-style: chr1-183232348-T-C. GRCh37 (hg19) VCF-style: chr1-183201483-T-C.
Other names: c.2014+5T>C (NM_018891.3, NM_005562.2).
Identifiers: ClinVar variation 1511794 (VCV001511794.3), dbSNP rs377208927, ClinGen allele CA1282787.